The following is an entry in ClinVar:

ClinVar aggregate classification (germline): Uncertain significance. Review status: criteria provided, multiple submitters, no conflicts (2 of 4 stars). 2 submissions from 2 submitters: Uncertain significance (2). Last evaluated 2024-03-02.

Conditions:
Joubert syndrome. Also called: CEREBELLOPARENCHYMAL DISORDER IV; JOUBERT-BOLTSHAUSER SYNDROME; Familial aplasia of the vermis. Identifiers: Orphanet 475, MedGen C5979921, MONDO:0018772.
Joubert syndrome 3 (JBTS3). Also called: AHI1-related Ciliopathy. Identifiers: Orphanet 220493, MedGen C1837713, MONDO:0012078, OMIM 608629.

Allele frequency attached by ClinVar (database versions not stated): gnomAD exomes below 0.00001; TOPMed 0.00002; ESP Exome Variant Server 0.00009.
gnomAD v4.1: 4 of 1,603,878 alleles (0.00025%); highest among the groups gnomAD compares: African/African-American, 0.004%; no homozygotes.

Submissions (2):

Fulgent Genetics
Classification: Uncertain significance for Joubert syndrome 3. Last evaluated: 2024-03-02. Review status: criteria provided, single submitter. Criteria: ACMG Guidelines, 2015. Collection method: clinical testing. Allele origin: germline.

Labcorp Genetics (formerly Invitae), Labcorp
Classification: Uncertain significance for Joubert syndrome. Last evaluated: 2022-06-13. Review status: criteria provided, single submitter. Criteria: Invitae Variant Classification Sherloc (09022015). Collection method: clinical testing. Allele origin: germline.
Comment: This sequence change replaces serine, which is neutral and polar, with phenylalanine, which is neutral and non-polar, at codon 437 of the AHI1 protein (p.Ser437Phe). This variant is not present in population databases (gnomAD no frequency). This variant has not been reported in the literature in individuals affected with AHI1-related conditions. Advanced modeling of protein sequence and biophysical properties (such as structural, functional, and spatial information, amino acid conservation, physicochemical variation, residue mobility, and thermodynamic stability) performed at Invitae indicates that this missense variant is not expected to disrupt AHI1 protein function. In summary, the available evidence is currently insufficient to determine the role of this variant in disease. Therefore, it has been classified as a Variant of Uncertain Significance.

NM_001134831.2(AHI1):c.1310C>T (p.Ser437Phe)

Gene: AHI1 (Abelson helper integration site 1; minus strand). Cytogenetic location: 6q23.3.
Variant type: single nucleotide variant.
Coding change: c.1310C>T on transcript NM_001134831.2 (MANE Select); coding-DNA position 1310, C replaced by T.
Protein change: p.Ser437Phe; replaces serine 437 with phenylalanine.
Molecular consequence: missense variant.
Genome position (GRCh38, 1-based): chr6:135,455,768, G>A on the plus strand (C>T on the coding strand, the complement: AHI1 is on the minus strand). VCF-style: chr6-135455768-G-A. GRCh37 (hg19) VCF-style: chr6-135776906-G-A.
Other names: c.1310C>T, p.Ser437Phe (NM_001134830.2, NM_001134832.2, NM_001350503.2 and 2 more transcripts); short protein forms S437F.
Identifiers: ClinVar variation 1347277 (VCV001347277.7), dbSNP rs372919026, ClinGen allele CA148141614.
Genomic context (GRCh38, chr6:135,455,768, plus strand): 5'-TTTGAATTGGTCCATTCAATTCATACCTCAAAGAACAGGATGACTTTAGGACTCTCATCA[G>A]AGCCTCGAAGCAAATAGGGAAAATTTTCATTAAATACAATTTGTTCTTCCCACTCTGGAA-3'
Protein context (NP_001128303.1, residues 427-447): NENFPYLLRG[Ser437Phe]DESPKVILFF